The following is an entry in ClinVar:

ClinVar aggregate classification (germline): Uncertain significance (1 of 4 stars; one submission).

Submission:

Labcorp Genetics (formerly Invitae), Labcorp
Classification: Uncertain significance. Last evaluated: 2022-02-25. Review status: criteria provided, single submitter. Criteria: Invitae Variant Classification Sherloc (09022015). Collection method: clinical testing. Allele origin: germline.
Comment: This sequence change replaces proline, which is neutral and non-polar, with threonine, which is neutral and polar, at codon 239 of the CYP27B1 protein (p.Pro239Thr). This variant is not present in population databases (gnomAD no frequency). This variant has not been reported in the literature in individuals affected with CYP27B1-related conditions. Advanced modeling of protein sequence and biophysical properties (such as structural, functional, and spatial information, amino acid conservation, physicochemical variation, residue mobility, and thermodynamic stability) performed at Invitae indicates that this missense variant is not expected to disrupt CYP27B1 protein function. In summary, the available evidence is currently insufficient to determine the role of this variant in disease. Therefore, it has been classified as a Variant of Uncertain Significance.

NM_000785.4(CYP27B1):c.715C>A (p.Pro239Thr)

Gene: CYP27B1 (cytochrome P450 family 27 subfamily B member 1; minus strand). Cytogenetic location: 12q14.1.
Variant type: single nucleotide variant.
Coding change: c.715C>A on transcript NM_000785.4 (MANE Select); coding-DNA position 715, C replaced by A.
Protein change: p.Pro239Thr; replaces proline 239 with threonine.
Molecular consequence: missense variant.
Genome position (GRCh38, 1-based): chr12:57,765,086, G>T on the plus strand (C>A on the coding strand, the complement: CYP27B1 is on the minus strand). VCF-style: chr12-57765086-G-T. GRCh37 (hg19) VCF-style: chr12-58158869-G-T.
Other names: short protein forms P239T.
Identifiers: ClinVar variation 2103441 (VCV002103441.4), dbSNP rs2540916907, ClinGen allele CA385505278.